The following is an entry in ClinVar:

ClinVar aggregate classification (germline): Uncertain significance (1 of 4 stars; one submission).

Submission:

GeneDx
Classification: Uncertain significance. Last evaluated: 2024-08-17. Review status: criteria provided, single submitter. Criteria: GeneDx Variant Classification Process June 2021. Collection method: clinical testing. Allele origin: germline. Affected: yes.
Comment: Not observed at significant frequency in large population cohorts (gnomAD); In silico analysis indicates that this missense variant does not alter protein structure/function; Has not been previously published as pathogenic or benign to our knowledge

NM_032590.5(KDM2B):c.1231G>C (p.Glu411Gln)

Gene: KDM2B (lysine demethylase 2B; minus strand). Cytogenetic location: 12q24.31.
Variant type: single nucleotide variant.
Coding change: c.1231G>C on transcript NM_032590.5 (MANE Select); coding-DNA position 1231, G replaced by C.
Protein change: p.Glu411Gln; replaces glutamic acid 411 with glutamine.
Molecular consequence: missense variant.
Genome position (GRCh38, 1-based): chr12:121,509,983, C>G on the plus strand (G>C on the coding strand, the complement: KDM2B is on the minus strand). VCF-style: chr12-121509983-C-G. GRCh37 (hg19) VCF-style: chr12-121947786-C-G.
Other names: c.1138G>C, p.Glu380Gln (NM_001005366.2); short protein forms E380Q, E411Q.
Identifiers: ClinVar variation 3731270 (VCV003731270.1).